The following is an entry in ClinVar:

NM_000180.4(GUCY2D):c.2897G>T (p.Arg966Leu)

Gene: GUCY2D (guanylate cyclase 2D, retinal; plus strand). Cytogenetic location: 17p13.1.
Variant type: single nucleotide variant.
Coding change: c.2897G>T on transcript NM_000180.4 (MANE Select); coding-DNA position 2897, G replaced by T.
Protein change: p.Arg966Leu; replaces arginine 966 with leucine.
Molecular consequence: missense variant.
Genome position (GRCh38, 1-based): chr17:8,015,455, G>T. VCF-style: chr17-8015455-G-T. GRCh37 (hg19) VCF-style: chr17-7918773-G-T.
Other names: short protein forms R966L.
Identifiers: ClinVar variation 4790536 (VCV004790536.1).

ClinVar aggregate classification (germline): Uncertain significance (1 of 4 stars; one submission).

Conditions:
Leber congenital amaurosis 1 (LCA1). Also called: AMAUROSIS CONGENITA OF LEBER I; RETINAL BLINDNESS, CONGENITAL; Congenital absence of the rods and cones; Leber's congenital tapetoretinal degeneration; Leber's congenital tapetoretinal dysplasia. Identifiers: Orphanet 65, MedGen C2931258, MONDO:0008764, OMIM 204000.
Cone-rod dystrophy 6 (CORD6). Also called: RETINAL CONE DYSTROPHY 2; Cone dystrophy progressive. Identifiers: Orphanet 1872, MedGen C1866293, MONDO:0011143, OMIM 601777.

gnomAD v4.1: 1 of 1,613,634 alleles (0.000062%); highest among the groups gnomAD compares: Admixed American, 0.0017%; no homozygotes.

Submission:

Labcorp Genetics (formerly Invitae), Labcorp
Classification: Uncertain significance for Leber congenital amaurosis 1; Cone-rod dystrophy 6. Last evaluated: 2025-05-27. Review status: criteria provided, single submitter. Criteria: Invitae Variant Classification Sherloc (09022015). Collection method: clinical testing. Allele origin: germline.
Comment: This sequence change replaces arginine, which is basic and polar, with leucine, which is neutral and non-polar, at codon 966 of the GUCY2D protein (p.Arg966Leu). The frequency data for this variant in the population databases is considered unreliable, as metrics indicate poor data quality at this position in the gnomAD database. This variant has not been reported in the literature in individuals affected with GUCY2D-related conditions. Invitae Evidence Modeling of protein sequence and biophysical properties (such as structural, functional, and spatial information, amino acid conservation, physicochemical variation, residue mobility, and thermodynamic stability) has been performed for this missense variant. However, the output from this modeling did not meet the statistical confidence thresholds required to predict the impact of this variant on GUCY2D protein function. In summary, the available evidence is currently insufficient to determine the role of this variant in disease. Therefore, it has been classified as a Variant of Uncertain Significance.